The following is an entry in ClinVar:

NM_006904.7(PRKDC):c.2890C>T (p.Arg964Trp)

Gene: PRKDC (protein kinase, DNA-activated, catalytic subunit; minus strand). Cytogenetic location: 8q11.21.
Variant type: single nucleotide variant.
Coding change: c.2890C>T on transcript NM_006904.7 (MANE Select); coding-DNA position 2890, C replaced by T.
Protein change: p.Arg964Trp; replaces arginine 964 with tryptophan.
Molecular consequence: missense variant.
Genome position (GRCh38, 1-based): chr8:47,912,454, G>A on the plus strand (C>T on the coding strand, the complement: PRKDC is on the minus strand). VCF-style: chr8-47912454-G-A. GRCh37 (hg19) VCF-style: chr8-48825014-G-A.
Other names: c.2890C>T, p.Arg964Trp (NM_001081640.2); short protein forms R964W.
Identifiers: ClinVar variation 1060084 (VCV001060084.6), dbSNP rs755012997, ClinGen allele CA4741340.

ClinVar aggregate classification (germline): Uncertain significance (1 of 4 stars; one submission).

Conditions:
Severe combined immunodeficiency due to DNA-PKcs deficiency. Also called: IMMUNODEFICIENCY 26 WITH NEUROLOGIC ABNORMALITIES; Immunodeficiency 26 with or without neurologic abnormalities. Identifiers: Orphanet 317425, MedGen C4014833, MONDO:0014423, OMIM 615966.

Allele frequency attached by ClinVar (database versions not stated): gnomAD exomes 0.00001; TOPMed 0.00001; gnomAD 0.00002; ExAC 0.00003.
gnomAD v4.1: 21 of 1,609,608 alleles (0.0013%); highest among the groups gnomAD compares: Middle Eastern, 0.017%; no homozygotes.

Submission:

Labcorp Genetics (formerly Invitae), Labcorp
Classification: Uncertain significance for Severe combined immunodeficiency due to DNA-PKcs deficiency. Last evaluated: 2023-08-24. Review status: criteria provided, single submitter. Criteria: Invitae Variant Classification Sherloc (09022015). Collection method: clinical testing. Allele origin: germline.
Comment: In summary, the available evidence is currently insufficient to determine the role of this variant in disease. Therefore, it has been classified as a Variant of Uncertain Significance. Advanced modeling of protein sequence and biophysical properties (such as structural, functional, and spatial information, amino acid conservation, physicochemical variation, residue mobility, and thermodynamic stability) performed at Invitae indicates that this missense variant is expected to disrupt PRKDC protein function. ClinVar contains an entry for this variant (Variation ID: 1060084). This variant has not been reported in the literature in individuals affected with PRKDC-related conditions. This variant is present in population databases (rs755012997, gnomAD 0.007%). This sequence change replaces arginine, which is basic and polar, with tryptophan, which is neutral and slightly polar, at codon 964 of the PRKDC protein (p.Arg964Trp).